The following is an entry in ClinVar:

NM_005138.3(SCO2):c.338C>T (p.Ala113Val)

Genes: NCAPH2 (non-SMC condensin II complex subunit H2; plus strand), SCO2 (synthesis of cytochrome C oxidase 2; minus strand). Cytogenetic location: 22q13.33.
Variant type: single nucleotide variant.
Coding change: c.338C>T on transcript NM_005138.3 (MANE Select); coding-DNA position 338, C replaced by T.
Protein change: p.Ala113Val; replaces alanine 113 with valine.
Molecular consequence: missense variant. On other transcripts: 3 prime UTR variant (2).
Genome position (GRCh38, 1-based): chr22:50,524,074, G>A on the plus strand (C>T on the coding strand, the complement: SCO2 is on the minus strand). VCF-style: chr22-50524074-G-A. GRCh37 (hg19) VCF-style: chr22-50962503-G-A.
Other names: p.Ala113Val; c.*699G>A (NM_001185011.2, NM_152299.4); c.338C>T, p.Ala113Val (NM_001169109.2, NM_001169110.1, NM_001169111.2); short protein forms A113V.
Identifiers: ClinVar variation 3380732 (VCV003380732.1).
Genomic context (GRCh38, chr22:50,524,074, plus strand): 5'-CAGTGAGTGAAGCCAAAGTACATCAGCACCCACTGGCCCCGGAAGTCAGCCTTGCAGCGA[G>A]CCCGGCCTCTGTGATCCAGCAGGTGGAAGTCGCCCTGGCCCACAGCTGCCTGGCGCAGGG-3'
Protein context (NP_005129.2, residues 103-123): DFHLLDHRGR[Ala113Val]RCKADFRGQW

ClinVar aggregate classification (germline): Uncertain significance (1 of 4 stars; one submission).

Submission:

Mayo Clinic Laboratories, Mayo Clinic
Classification: Uncertain significance. Last evaluated: 2023-10-17. Review status: criteria provided, single submitter. Criteria: ACMG Guidelines, 2015. Collection method: clinical testing. Allele origin: germline. Observed: 1 variant allele.
Comment: BP4, PM2_moderate